The following is an entry in ClinVar:

NM_018062.4(FANCL):c.612G>A (p.Met204Ile)

Gene: FANCL (FA complementation group L; minus strand). Cytogenetic location: 2p16.1.
Variant type: single nucleotide variant.
Coding change: c.612G>A on transcript NM_018062.4 (MANE Select); coding-DNA position 612, G replaced by A.
Protein change: p.Met204Ile; replaces methionine 204 with isoleucine.
Molecular consequence: missense variant.
Genome position (GRCh38, 1-based): chr2:58,165,803, C>T on the plus strand (G>A on the coding strand, the complement: FANCL is on the minus strand). VCF-style: chr2-58165803-C-T. GRCh37 (hg19) VCF-style: chr2-58392938-C-T.
Other names: c.627G>A, p.Met209Ile (NM_001114636.2); c.657G>A, p.Met219Ile (NM_001374615.1); c.672G>A, p.Met224Ile (NM_001410792.1); short protein forms M224I, M219I, M204I, M209I.
Identifiers: ClinVar variation 2906477 (VCV002906477.3), dbSNP rs758850921, ClinGen allele CA1670540.

ClinVar aggregate classification (germline): Uncertain significance (1 of 4 stars; one submission).

Conditions:
Fanconi anemia (FA). Also called: Fanconi's anemia. Identifiers: Orphanet 84, MedGen C0015625, MeSH D005199, MONDO:0019391.

Allele frequency attached by ClinVar (database versions not stated): ExAC 0.00001.
gnomAD v4.1: 9 of 1,614,070 alleles (0.00056%); highest among the groups gnomAD compares: Non-Finnish European, 0.00068%; no homozygotes.

Submission:

Labcorp Genetics (formerly Invitae), Labcorp
Classification: Uncertain significance for Fanconi anemia. Last evaluated: 2023-03-02. Review status: criteria provided, single submitter. Criteria: Invitae Variant Classification Sherloc (09022015). Collection method: clinical testing. Allele origin: germline.
Comment: Advanced modeling of protein sequence and biophysical properties (such as structural, functional, and spatial information, amino acid conservation, physicochemical variation, residue mobility, and thermodynamic stability) performed at Invitae indicates that this missense variant is not expected to disrupt FANCL protein function. In summary, the available evidence is currently insufficient to determine the role of this variant in disease. Therefore, it has been classified as a Variant of Uncertain Significance. This variant has not been reported in the literature in individuals affected with FANCL-related conditions. This sequence change replaces methionine, which is neutral and non-polar, with isoleucine, which is neutral and non-polar, at codon 204 of the FANCL protein (p.Met204Ile). This variant is present in population databases (rs758850921, gnomAD 0.0009%).